The following is an entry in ClinVar:

ClinVar aggregate classification (germline): Uncertain significance (1 of 4 stars; one submission).

Conditions:
Inborn genetic diseases. Identifiers: MedGen C0950123, MeSH D030342.

Submission:

Ambry Genetics
Classification: Uncertain significance for Inborn genetic diseases. Last evaluated: 2022-08-23. Review status: criteria provided, single submitter. Criteria: Ambry Variant Classification Scheme 2023. Collection method: clinical testing. Allele origin: germline.
Comment: The p.V151L variant (also known as c.451G>C), located in coding exon 2 of the PIK3CA gene, results from a G to C substitution at nucleotide position 451. The valine at codon 151 is replaced by leucine, an amino acid with highly similar properties. This amino acid position is conserved. In addition, the in silico prediction for this alteration is inconclusive. Since supporting evidence is limited at this time, the clinical significance of this alteration remains unclear.

NM_006218.4(PIK3CA):c.451G>C (p.Val151Leu)

Gene: PIK3CA (phosphatidylinositol-4,5-bisphosphate 3-kinase catalytic subunit alpha; plus strand). Cytogenetic location: 3q26.32.
Variant type: single nucleotide variant.
Coding change: c.451G>C on transcript NM_006218.4 (MANE Select); coding-DNA position 451, G replaced by C.
Protein change: p.Val151Leu; replaces valine 151 with leucine.
Molecular consequence: missense variant.
Genome position (GRCh38, 1-based): chr3:179,199,788, G>C. VCF-style: chr3-179199788-G-C. GRCh37 (hg19) VCF-style: chr3-178917576-G-C.
Other names: short protein forms V151L.
Identifiers: ClinVar variation 1741202 (VCV001741202.2), dbSNP rs1433512757, ClinGen allele CA355273837.
Genomic context (GRCh38, chr3:179,199,788, plus strand): 5'-GTTAAAGATCCAGAAGTACAGGACTTCCGAAGAAATATTCTGAACGTTTGTAAAGAAGCT[G>C]TGGATCTTAGGGACCTCAATTCACCTCATAGTAGAGCAATGTATGTCTATCCTCCAAATG-3'
Protein context (NP_006209.2, residues 141-161): RNILNVCKEA[Val151Leu]DLRDLNSPHS